The following is an entry in ClinVar:

ClinVar aggregate classification (germline): Uncertain significance (1 of 4 stars; one submission).

Conditions:
Charcot-Marie-Tooth disease axonal type 2C (HMSN2C). Also called: CHARCOT-MARIE-TOOTH DISEASE, AXONAL, AUTOSOMAL DOMINANT, TYPE 2C; Charcot-Marie-Tooth Neuropathy Type 2C; Charcot-Marie-Tooth Disease Type 2, TRPV4-Related (CMT2C). Identifiers: Orphanet 99937, MedGen C1853710, MONDO:0011633, OMIM 606071.

Submission:

Labcorp Genetics (formerly Invitae), Labcorp
Classification: Uncertain significance for Charcot-Marie-Tooth disease axonal type 2C. Last evaluated: 2022-08-09. Review status: criteria provided, single submitter. Criteria: Invitae Variant Classification Sherloc (09022015). Collection method: clinical testing. Allele origin: germline.
Comment: In summary, the available evidence is currently insufficient to determine the role of this variant in disease. Therefore, it has been classified as a Variant of Uncertain Significance. Advanced modeling of protein sequence and biophysical properties (such as structural, functional, and spatial information, amino acid conservation, physicochemical variation, residue mobility, and thermodynamic stability) performed at Invitae indicates that this missense variant is not expected to disrupt TRPV4 protein function. ClinVar contains an entry for this variant (Variation ID: 1379726). This variant has not been reported in the literature in individuals affected with TRPV4-related conditions. This variant is not present in population databases (gnomAD no frequency). This sequence change replaces proline, which is neutral and non-polar, with leucine, which is neutral and non-polar, at codon 80 of the TRPV4 protein (p.Pro80Leu).

NM_021625.5(TRPV4):c.239C>T (p.Pro80Leu)

Gene: TRPV4 (transient receptor potential cation channel subfamily V member 4; minus strand). Cytogenetic location: 12q24.11.
Variant type: single nucleotide variant.
Coding change: c.239C>T on transcript NM_021625.5 (MANE Select); coding-DNA position 239, C replaced by T.
Protein change: p.Pro80Leu; replaces proline 80 with leucine.
Molecular consequence: missense variant.
Genome position (GRCh38, 1-based): chr12:109,814,558, G>A on the plus strand (C>T on the coding strand, the complement: TRPV4 is on the minus strand). VCF-style: chr12-109814558-G-A. GRCh37 (hg19) VCF-style: chr12-110252363-G-A.
Other names: c.239C>T, p.Pro80Leu (NM_001177428.2, NM_001177433.2, NM_147204.3); c.137C>T, p.Pro46Leu (NM_001177431.2); short protein forms P80L, P46L.
Identifiers: ClinVar variation 1379726 (VCV001379726.6), dbSNP rs2136660243, ClinGen allele CA386660530.